The following is an entry in ClinVar:

ClinVar aggregate classification (germline): Uncertain significance (1 of 4 stars; one submission).

Conditions:
Catifa syndrome. Also called: CLEFT LIP, CATARACT, TOOTH ABNORMALITY, IMPAIRED INTELLECTUAL DEVELOPMENT, FACIAL DYSMORPHISM, AND ATTENTION-DEFICIT HYPERACTIVITY DISORDER. Identifiers: MedGen C5231492, MONDO:0032901, OMIM 618761.

Allele frequency attached by ClinVar (database versions not stated): ExAC 0.00002; gnomAD 0.00003; TOPMed 0.00005; ESP Exome Variant Server 0.00008.
gnomAD v4.1: 22 of 1,613,960 alleles (0.0014%); highest among the groups gnomAD compares: African/African-American, 0.008%; 1 homozygote.

Submission:

Victorian Clinical Genetics Services, Murdoch Childrens Research Institute
Classification: Uncertain significance for Catifa syndrome. Last evaluated: 2022-02-02. Review status: criteria provided, single submitter. Criteria: ACMG Guidelines, 2015. Collection method: clinical testing. Allele origin: germline. Inheritance: Autosomal recessive inheritance.
Comment: Based on the classification scheme VCGS_Germline_v1.3.4, this variant is classified as VUS-3C. Following criteria are met: 0105 - The mechanism of disease for this gene is not clearly established. However, based on zebrafish models, loss-of-function is likely (PMID: 31932796). (I) 0106 - This gene is associated with autosomal recessive disease. (I) 0200 - Variant is predicted to result in a missense amino acid change from arginine to glutamine. (I) 0251 - This variant is heterozygous. (I) 0304 - Variant is present in gnomAD <0.01 for a recessive condition (v2: 6 heterozygotes, 0 homozygotes). (SP) 0309 - An alternative amino acid change at the same position has been observed in gnomAD (v2: 1 heterozygote, 0 homozygotes). (I) 0504 - Same amino acid change has been observed in placental mammals. (SB) 0604 - Variant is not located in an established domain, motif, hotspot or informative constraint region. (I) 0705 - No comparable missense variants have previous evidence for pathogenicity. (I) 0807 - This variant has no previous evidence of pathogenicity. (I) 0905 - No published segregation evidence has been identified for this variant. (I) 1007 - No published functional evidence has been identified for this variant. (I) Legend: (SP) - Supporting pathogenic, (I) - Information, (SB) - Supporting benign

Literature cited by the submitters: PubMed 31932796.

NM_020829.4(RIC1):c.1367G>A (p.Arg456Gln)

Gene: RIC1 (RIC1 homolog, RAB6A GEF complex partner 1; plus strand). Cytogenetic location: 9p24.1.
Variant type: single nucleotide variant.
Coding change: c.1367G>A on transcript NM_020829.4 (MANE Select); coding-DNA position 1367, G replaced by A.
Protein change: p.Arg456Gln; replaces arginine 456 with glutamine.
Molecular consequence: missense variant.
Genome position (GRCh38, 1-based): chr9:5,747,420, G>A. VCF-style: chr9-5747420-G-A. GRCh37 (hg19) VCF-style: chr9-5747420-G-A.
Other names: c.1367G>A, p.Arg456Gln (NM_001135920.4, NM_001206557.2); short protein forms R456Q.
Identifiers: ClinVar variation 1805104 (VCV001805104.1), dbSNP rs147403256, ClinGen allele CA4974585.